The following is an entry in ClinVar:

ClinVar aggregate classification (germline): Uncertain significance (1 of 4 stars; one submission).

Conditions:
Cardiovascular phenotype. Identifiers: MedGen CN230736.

gnomAD v4.1: 4 of 1,612,964 alleles (0.00025%); highest among the groups gnomAD compares: Non-Finnish European, 0.00034%; no homozygotes.

Submission:

Ambry Genetics
Classification: Uncertain significance for Cardiovascular phenotype. Last evaluated: 2024-11-05. Review status: criteria provided, single submitter. Criteria: Ambry Variant Classification Scheme 2023. Collection method: clinical testing. Allele origin: germline.
Comment: The p.I3094T variant (also known as c.9281T>C), located in coding exon 38 of the AKAP9 gene, results from a T to C substitution at nucleotide position 9281. The isoleucine at codon 3094 is replaced by threonine, an amino acid with similar properties. This amino acid position is conserved. In addition, this alteration is predicted to be tolerated by in silico analysis. Based on the available evidence, the clinical significance of this variant remains unclear.

NM_005751.5(AKAP9):c.9281T>C (p.Ile3094Thr)

Gene: AKAP9 (A-kinase anchoring protein 9; plus strand). Cytogenetic location: 7q21.2.
Variant type: single nucleotide variant.
Coding change: c.9281T>C on transcript NM_005751.5 (MANE Select); coding-DNA position 9281, T replaced by C.
Protein change: p.Ile3094Thr; replaces isoleucine 3094 with threonine.
Molecular consequence: missense variant.
Genome position (GRCh38, 1-based): chr7:92,089,452, T>C. VCF-style: chr7-92089452-T-C. GRCh37 (hg19) VCF-style: chr7-91718766-T-C.
Other names: c.3926T>C, p.Ile1309Thr (NM_001379277.1); c.9257T>C, p.Ile3086Thr (NM_147185.3); short protein forms I3086T, I3094T, I1309T.
Identifiers: ClinVar variation 3517198 (VCV003517198.1).